The following is an entry in ClinVar:

ClinVar aggregate classification (germline): Uncertain significance. Review status: reviewed by expert panel (3 of 4 stars). 2 submissions from 2 submitters: Uncertain significance (1). 1 of the submissions does not count toward it. Last evaluated 2024-04-16.

Conditions:
Glanzmann thrombasthenia. Also called: BLEEDING DISORDER, PLATELET-TYPE, 2; THROMBASTHENIA OF GLANZMANN AND NAEGELI; PLATELET GLYCOPROTEIN IIb-IIIa DEFICIENCY; Thrombasthenia; Glanzmann's thrombasthenia. Identifiers: Orphanet 849, MedGen C0040015, MONDO:0100326.

Allele frequency attached by ClinVar (database versions not stated): TOPMed below 0.00001.
gnomAD v4.1: 2 of 1,614,186 alleles (0.00012%); highest among the groups gnomAD compares: Non-Finnish European, 0.000085%; no homozygotes.

Submissions (2):

ClinGen Platelet Disorders Variant Curation Expert Panel, ClinGen
Classification: Uncertain significance for Glanzmann thrombasthenia. Last evaluated: 2024-04-16. Review status: reviewed by expert panel. Criteria: ClinGen Platelet ACMG Specifications v2-1. Collection method: curation. Allele origin: germline. Inheritance: Autosomal recessive inheritance.
Comment: The ITGB3 missense variant NM_000212.3:c.437T>C replaces the leucine residue with a proline residue (p.Leu146Pro). The highest population minor allele frequency in gnomAD v4.0.0 is 8.993e-7 (1/1112008 alleles) in the European (non-Finnish) population, which is lower than the ClinGen PD VCEP threshold (<0.0001; PM2_Supporting). This variant has been observed in homozygosity (PM3_supporting) in an individual suspected to have Glanzmann's thrombasthenia (GT) (GT-76 in PMID: 30792900), however sufficient information to confirm if the individual's phenotype is specific for GT was not provided. In silico tools predict the variant is damaging to protein function (REVEL score 0.985; PP3). In summary, this variant is of uncertain significance and lacks sufficient evidence to be classified as pathogenic or benign for GT. GT-specific criteria applied: PM2_supporting, PM3_supporting, PP3.

Women's Health and Genetics/Laboratory Corporation of America, LabCorp
Classification: Uncertain significance. Last evaluated: 2024-11-13. Review status: criteria provided, single submitter. Criteria: LabCorp Variant Classification Summary - May 2015. Collection method: clinical testing. Allele origin: germline. Not counted in ClinVar's aggregate classification.
Comment: Variant summary: ITGB3 c.437T>C (p.Leu146Pro) results in a non-conservative amino acid change located in the Integrin beta subunits (N-terminal portion of extracellular region) domain (IPR002369) of the encoded protein sequence. Five of five in-silico tools predict a damaging effect of the variant on protein function. The variant was absent in 251484 control chromosomes. c.437T>C has been reported in the literature in at least one homozygous individual affected with Glanzmann Thrombasthenia (e.g. Owaidah_2019). These data indicate that the variant may be associated with disease. To our knowledge, no experimental evidence demonstrating an impact on protein function has been reported. The following publication has been ascertained in the context of this evaluation (PMID: 30792900). ClinVar contains an entry for this variant (Variation ID: 1210169). Based on the evidence outlined above, the variant was classified as VUS-possibly pathogenic.

Literature cited by the submitters: PubMed 30792900 (cited by Women's Health and Genetics/Laboratory Corporation of America, LabCorp).

NM_000212.3(ITGB3):c.437T>C (p.Leu146Pro)

Gene: ITGB3 (integrin subunit beta 3; plus strand). Cytogenetic location: 17q21.32.
Variant type: single nucleotide variant.
Coding change: c.437T>C on transcript NM_000212.3 (MANE Select); coding-DNA position 437, T replaced by C.
Protein change: p.Leu146Pro; replaces leucine 146 with proline.
Molecular consequence: missense variant.
Genome position (GRCh38, 1-based): chr17:47,284,518, T>C. VCF-style: chr17-47284518-T-C. GRCh37 (hg19) VCF-style: chr17-45361884-T-C.
Other names: short protein forms L146P.
Identifiers: ClinVar variation 1210169 (VCV001210169.3), dbSNP rs2065095643, ClinGen allele CA400021960.